The following is an entry in ClinVar:

ClinVar aggregate classification (germline): Uncertain significance (1 of 4 stars; one submission).

Allele frequency attached by ClinVar (database versions not stated): TOPMed below 0.00001.

Submission:

Labcorp Genetics (formerly Invitae), Labcorp
Classification: Uncertain significance. Last evaluated: 2022-09-12. Review status: criteria provided, single submitter. Criteria: Invitae Variant Classification Sherloc (09022015). Collection method: clinical testing. Allele origin: germline.
Comment: In summary, the available evidence is currently insufficient to determine the role of this variant in disease. Therefore, it has been classified as a Variant of Uncertain Significance. Advanced modeling of protein sequence and biophysical properties (such as structural, functional, and spatial information, amino acid conservation, physicochemical variation, residue mobility, and thermodynamic stability) performed at Invitae indicates that this missense variant is expected to disrupt DUOX2 protein function. ClinVar contains an entry for this variant (Variation ID: 1485617). This variant has not been reported in the literature in individuals affected with DUOX2-related conditions. This variant is not present in population databases (gnomAD no frequency). This sequence change replaces glycine, which is neutral and non-polar, with arginine, which is basic and polar, at codon 1385 of the DUOX2 protein (p.Gly1385Arg).

NM_001363711.2(DUOX2):c.4153G>A (p.Gly1385Arg)

Gene: DUOX2 (dual oxidase 2; minus strand). Cytogenetic location: 15q21.1.
Variant type: single nucleotide variant.
Coding change: c.4153G>A on transcript NM_001363711.2 (MANE Select); coding-DNA position 4153, G replaced by A.
Protein change: p.Gly1385Arg; replaces glycine 1385 with arginine.
Molecular consequence: missense variant.
Genome position (GRCh38, 1-based): chr15:45,095,523, C>T on the plus strand (G>A on the coding strand, the complement: DUOX2 is on the minus strand). VCF-style: chr15-45095523-C-T. GRCh37 (hg19) VCF-style: chr15-45387721-C-T.
Other names: c.4153G>A, p.Gly1385Arg (NM_014080.5); short protein forms G1385R.
Identifiers: ClinVar variation 1485617 (VCV001485617.6), dbSNP rs1555412472, ClinGen allele CA392251591.